The following is an entry in ClinVar:

NM_170606.3(KMT2C):c.402C>T (p.Cys134=)

Gene: KMT2C (lysine methyltransferase 2C; minus strand). Cytogenetic location: 7q36.1.
Variant type: single nucleotide variant.
Coding change: c.402C>T on transcript NM_170606.3 (MANE Select); coding-DNA position 402, C replaced by T.
Protein change: p.Cys134=; no amino-acid change (cysteine 134 retained).
Molecular consequence: synonymous variant.
Genome position (GRCh38, 1-based): chr7:152,315,326, G>A on the plus strand (C>T on the coding strand, the complement: KMT2C is on the minus strand). VCF-style: chr7-152315326-G-A. GRCh37 (hg19) VCF-style: chr7-152012411-G-A.
Identifiers: ClinVar variation 2658244 (VCV002658244.24), dbSNP rs750268829, ClinGen allele CA4581721.

ClinVar aggregate classification (germline): Likely benign (1 of 4 stars; one submission).

Allele frequency attached by ClinVar (database versions not stated): ExAC 0.00001; gnomAD 0.00001; gnomAD exomes 0.00002; TOPMed 0.00002.
gnomAD v4.1: 25 of 1,613,042 alleles (0.0015%); highest among the groups gnomAD compares: Middle Eastern, 0.033%; no homozygotes.

Submission:

CeGaT Center for Human Genetics Tuebingen
Classification: Likely benign. Last evaluated: 2023-04-01. Review status: criteria provided, single submitter. Criteria: CeGaT Center For Human Genetics Tuebingen Variant Classification Criteria Version 2. Collection method: clinical testing. Allele origin: germline. Affected: yes. Observed: 1 variant allele.
Comment: KMT2C: BP4, BP7